The following is an entry in ClinVar:

NM_014244.5(ADAMTS2):c.1194C>T (p.Asp398=)

Gene: ADAMTS2 (ADAM metallopeptidase with thrombospondin type 1 motif 2; minus strand). Cytogenetic location: 5q35.3.
Variant type: single nucleotide variant.
Coding change: c.1194C>T on transcript NM_014244.5 (MANE Select); coding-DNA position 1194, C replaced by T.
Protein change: p.Asp398=; no amino-acid change (aspartic acid 398 retained).
Molecular consequence: synonymous variant.
Genome position (GRCh38, 1-based): chr5:179,154,858, G>A on the plus strand (C>T on the coding strand, the complement: ADAMTS2 is on the minus strand). VCF-style: chr5-179154858-G-A. GRCh37 (hg19) VCF-style: chr5-178581859-G-A.
Other names: p.Asp398=; c.1194C>T, p.Asp398= (NM_021599.4).
Identifiers: ClinVar variation 288084 (VCV000288084.23), dbSNP rs2278221, ClinGen allele CA3596009.

ClinVar aggregate classification (germline): Benign. Review status: criteria provided, multiple submitters, no conflicts (2 of 4 stars). 11 submissions from 11 submitters: Benign (8). 3 of the submissions do not count toward it. Last evaluated 2026-02-04.

Conditions:
Ehlers-Danlos syndrome, dermatosparaxis type. Also called: EDS VIIC; Ehlers-Danlos syndrome, type VII, autosomal recessive; Dermatosparaxis. Identifiers: Orphanet 1901, MedGen C2700425, MONDO:0009161, OMIM 225410.

Allele frequency attached by ClinVar (database versions not stated): ESP Exome Variant Server 0.18691; gnomAD 0.20236 and 0.20858; TOPMed 0.20369; 1000 Genomes Project 30x 0.22455; 1000 Genomes Project 0.22843; gnomAD exomes 0.24798 and 0.26448; ExAC 0.26705.
gnomAD v4.1: 393,635 of 1,612,754 alleles (24%); highest among the groups gnomAD compares: East Asian, 37%; 50,488 homozygotes.

Submissions (11):

Labcorp Genetics (formerly Invitae), Labcorp
Classification: Benign for Ehlers-Danlos syndrome, dermatosparaxis type. Last evaluated: 2026-02-04. Review status: criteria provided, single submitter. Criteria: Invitae Variant Classification Sherloc (09022015). Collection method: clinical testing. Allele origin: germline.

Blueprint Genetics
Classification: Benign. Last evaluated: 2024-11-26. Review status: criteria provided, single submitter. Criteria: ACMG Guidelines, 2015. Collection method: clinical testing. Allele origin: germline.

Genome-Nilou Lab
Classification: Benign for Ehlers-Danlos syndrome, dermatosparaxis type. Last evaluated: 2021-07-10. Review status: criteria provided, single submitter. Criteria: ACMG Guidelines, 2015. Collection method: clinical testing. Allele origin: germline. Affected: no.

Mayo Clinic Laboratories, Mayo Clinic
Classification: Benign. Last evaluated: 2019-03-13. Review status: criteria provided, single submitter. Criteria: ACMG Guidelines, 2015. Collection method: clinical testing. Allele origin: germline. Observed: 1,828 variant alleles.

Illumina Laboratory Services, Illumina
Classification: Benign for Ehlers-Danlos syndrome, dermatosparaxis type. Last evaluated: 2018-01-12. Review status: criteria provided, single submitter. Criteria: ICSL Variant Classification Criteria 13 December 2019. Collection method: clinical testing. Allele origin: germline.
Comment: This variant was observed in the ICSL laboratory as part of a predisposition screen in an ostensibly healthy population. It had not been previously curated by ICSL or reported in the Human Gene Mutation Database (HGMD: prior to June 1st, 2018), and was therefore a candidate for classification through an automated scoring system. Utilizing variant allele frequency, disease prevalence and penetrance estimates, and inheritance mode, an automated score was calculated to assess if this variant is too frequent to cause the disease. Based on the score and internal cut-off values, a variant classified as benign is not then subjected to further curation. The score for this variant resulted in a classification of benign for this disease.

Women's Health and Genetics/Laboratory Corporation of America, LabCorp
Classification: Benign. Last evaluated: 2016-11-25. Review status: criteria provided, single submitter. Criteria: LabCorp Variant Classification Summary - May 2015. Collection method: clinical testing. Allele origin: germline.
Comment: Variant summary: The c.1194C>T (p.Asp398=) in ADAMTS2 gene is a synonymous change that involves a non-conserved nucleotide. 4/5 programs in Alamut predict that this variant does not affect normal splicing, however no functional studies supporting this notion were published at the time of evaluation. The variant is present in the control population dataset of ExAC at frequency of 0.267 (30190/113050 chrs tested), including 4040 homozygotes. The observed frequency exceeds the maximum expected allele frequency for a pathogenic variant in this gene (0.0029), suggesting that it is a benign polymorphism. The variant of interest has been cited as Benign by a reputable database/clinical laboratory. Taking together, based on the prevalence in general population the variant was classified as Benign.

GeneDx
Classification: Benign. Last evaluated: 2016-10-06. Review status: criteria provided, single submitter. Criteria: GeneDx Variant Classification (06012015). Collection method: clinical testing. Allele origin: germline. Affected: yes.
Comment: This variant is considered likely benign or benign based on one or more of the following criteria: it is a conservative change, it occurs at a poorly conserved position in the protein, it is predicted to be benign by multiple in silico algorithms, and/or has population frequency not consistent with disease.

Eurofins Ntd Llc (ga)
Classification: Benign. Last evaluated: 2016-05-27. Review status: criteria provided, single submitter. Criteria: EGL Classification Definitions 2015. Collection method: clinical testing. Allele origin: germline. Observed: 4 variant alleles, 3 heterozygotes, 1 homozygote.

Natera, Inc.
Classification: Benign for Ehlers-Danlos syndrome type VIIC. Last evaluated: 2020-09-16. Review status: no assertion criteria provided. Collection method: clinical testing. Allele origin: germline. Not counted in ClinVar's aggregate classification.

Genome Diagnostics Laboratory, Amsterdam University Medical Center
Classification: Benign for Ehlers-Danlos syndrome, dermatosparaxis type. Last evaluated: 2014-11-19. Review status: no assertion criteria provided. Criteria: ACGS Guidelines, 2013. Collection method: clinical testing. Allele origin: germline. Affected: yes. Study: VKGL Data-share Consensus. Not counted in ClinVar's aggregate classification.

Diagnostic Laboratory, Department of Genetics, University Medical Center Groningen
Classification: Benign for Ehlers-Danlos syndrome, dermatosparaxis type. Review status: no assertion criteria provided. Collection method: clinical testing. Allele origin: germline. Affected: yes. Study: VKGL Data-share Consensus. Not counted in ClinVar's aggregate classification.